The following is an entry in ClinVar:

NM_004260.4(RECQL4):c.1490C>G (p.Ser497Cys)

Gene: RECQL4 (RecQ like helicase 4; minus strand). Cytogenetic location: 8q24.3.
Variant type: single nucleotide variant.
Coding change: c.1490C>G on transcript NM_004260.4 (MANE Select); coding-DNA position 1490, C replaced by G.
Protein change: p.Ser497Cys; replaces serine 497 with cysteine.
Molecular consequence: missense variant.
Genome position (GRCh38, 1-based): chr8:144,515,066, G>C on the plus strand (C>G on the coding strand, the complement: RECQL4 is on the minus strand). VCF-style: chr8-144515066-G-C. GRCh37 (hg19) VCF-style: chr8-145740450-G-C.
Other names: short protein forms S497C.
Identifiers: ClinVar variation 1510495 (VCV001510495.6), dbSNP rs1586815479, ClinGen allele CA372684328.
Genomic context (GRCh38, chr8:144,515,066, plus strand): 5'-AGCGCTGGGAGCTGGTAGCACAGGGACTTGCCGGCACCTGTAGGCAGCACCAGCAGCGTG[G>C]AGATGCCTGGATGGGGCGGGAGTCAGCAGCAGGGTTCTGCAGCCTGGCCTCAGCCCAGCC-3'
Protein context (NP_004251.4, residues 487-507): RAVMRILSGI[Ser497Cys]TLLVLPTGAG

ClinVar aggregate classification (germline): Uncertain significance (1 of 4 stars; one submission).

Conditions:
Baller-Gerold syndrome (BGS). Also called: CRANIOSYNOSTOSIS WITH RADIAL DEFECTS. Identifiers: Orphanet 1225, MedGen C0265308, MONDO:0009039, OMIM 218600.

Submission:

Labcorp Genetics (formerly Invitae), Labcorp
Classification: Uncertain significance for Baller-Gerold syndrome. Last evaluated: 2021-02-15. Review status: criteria provided, single submitter. Criteria: Invitae Variant Classification Sherloc (09022015). Collection method: clinical testing. Allele origin: germline.
Comment: In summary, the available evidence is currently insufficient to determine the role of this variant in disease. Therefore, it has been classified as a Variant of Uncertain Significance. Experimental studies and prediction algorithms are not available or were not evaluated, and the functional significance of this variant is currently unknown. This variant has not been reported in the literature in individuals with RECQL4-related conditions. This variant is not present in population databases (ExAC no frequency). This sequence change replaces serine with cysteine at codon 497 of the RECQL4 protein (p.Ser497Cys). The serine residue is highly conserved and there is a moderate physicochemical difference between serine and cysteine.